The following is an entry in ClinVar:

ClinVar aggregate classification (germline): Uncertain significance (1 of 4 stars; one submission).

Submission:

Labcorp Genetics (formerly Invitae), Labcorp
Classification: Uncertain significance. Last evaluated: 2017-01-02. Review status: criteria provided, single submitter. Criteria: Invitae Variant Classification Sherloc (09022015). Collection method: clinical testing. Allele origin: germline.
Comment: This sequence change replaces glycine with alanine at codon 642 of the SCN3A protein (p.Gly642Ala). The glycine residue is highly conserved and there is a small physicochemical difference between glycine and alanine. This variant is not present in population databases (ExAC no frequency) and has not been reported in the literature in individuals with an SCN3A-related disease. In summary, this variant is a novel missense change with uncertain impact on protein function. It has been classified as a Variant of Uncertain Significance. Algorithms developed to predict the effect of missense changes on protein structure and function do not agree on the potential impact of this missense change (SIFT: "Deleterious"; PolyPhen-2: "Probably Damaging"; Align-GVGD: "Class C0").

NM_006922.4(SCN3A):c.1925G>C (p.Gly642Ala)

Gene: SCN3A (sodium voltage-gated channel alpha subunit 3; minus strand). Cytogenetic location: 2q24.3.
Variant type: single nucleotide variant.
Coding change: c.1925G>C on transcript NM_006922.4 (MANE Select); coding-DNA position 1925, G replaced by C.
Protein change: p.Gly642Ala; replaces glycine 642 with alanine.
Molecular consequence: missense variant. On other transcripts: intron variant (2).
Genome position (GRCh38, 1-based): chr2:165,140,745, C>G on the plus strand (G>C on the coding strand, the complement: SCN3A is on the minus strand). VCF-style: chr2-165140745-C-G. GRCh37 (hg19) VCF-style: chr2-165997255-C-G.
Other names: c.1872+53G>C (NM_001081676.2, NM_001081677.2); short protein forms G642A.
Identifiers: ClinVar variation 1055056 (VCV001055056.9), dbSNP rs2105811405, ClinGen allele CA349046284.
Genomic context (GRCh38, chr2:165,140,745, plus strand): 5'-GCTGAAGGTCCACCCACCAAGGAAACCACACCATTGCAATCCACAGTGCTGTGCATCTTC[C>G]CATTTGCTGGAAGCCCTGGCACCATCCTGGATGACATACTGGCCTGACTAACGTTACTGT-3'
Protein context (NP_008853.3, residues 632-652): SRMVPGLPAN[Gly642Ala]KMHSTVDCNG